The following is an entry in ClinVar:

ClinVar aggregate classification (germline): Benign. Review status: criteria provided, multiple submitters, no conflicts (2 of 4 stars). 5 submissions from 5 submitters: Benign (4). 1 of the submissions does not count toward it. Last evaluated 2026-02-04.

Conditions:
Occipital pachygyria and polymicrogyria. Identifiers: Orphanet 280640, MedGen C3279875, MONDO:0013583, OMIM 614115.

Allele frequency attached by ClinVar (database versions not stated): gnomAD 0.33663 and 0.33731; 1000 Genomes Project 0.29293; ESP Exome Variant Server 0.33485; 1000 Genomes Project 30x 0.28373; TOPMed 0.32958; gnomAD exomes 0.39165.
gnomAD v4.1: 623,232 of 1,611,690 alleles (39%); highest among the groups gnomAD compares: Middle Eastern, 45%; 124,232 homozygotes.

Submissions (5):

Labcorp Genetics (formerly Invitae), Labcorp
Classification: Benign. Last evaluated: 2026-02-04. Review status: criteria provided, single submitter. Criteria: Invitae Variant Classification Sherloc (09022015). Collection method: clinical testing. Allele origin: germline.

Genome-Nilou Lab
Classification: Benign for Occipital pachygyria and polymicrogyria. Last evaluated: 2021-08-19. Review status: criteria provided, single submitter. Criteria: ACMG Guidelines, 2015. Collection method: clinical testing. Allele origin: germline. Affected: no.

GeneDx
Classification: Benign. Last evaluated: 2013-11-06. Review status: criteria provided, single submitter. Criteria: GeneDx Variant Classification (06012015). Collection method: clinical testing. Allele origin: germline. Affected: yes.
Comment: This variant is considered likely benign or benign based on one or more of the following criteria: it is a conservative change, it occurs at a poorly conserved position in the protein, it is predicted to be benign by multiple in silico algorithms, and/or has population frequency not consistent with disease.

Breakthrough Genomics
Classification: Benign. Review status: criteria provided, single submitter. Criteria: ACMG Guidelines, 2015. Collection method: not provided. Allele origin: germline. Inheritance: Autosomal recessive inheritance. Affected: yes.

Genetic Services Laboratory, University of Chicago
Classification: Likely benign for AllHighlyPenetrant. Review status: no assertion criteria provided. Collection method: clinical testing. Allele origin: germline. Inheritance: X-linked inheritance. Not counted in ClinVar's aggregate classification.
Comment: Likely benign based on allele frequency in 1000 Genomes Project or ESP global frequency and its presence in a patient with a rare or unrelated disease phenotype. NOT Sanger confirmed.

NM_006059.4(LAMC3):c.3108G>A (p.Gly1036=)

Gene: LAMC3 (laminin subunit gamma 3; plus strand). Cytogenetic location: 9q34.12.
Variant type: single nucleotide variant.
Coding change: c.3108G>A on transcript NM_006059.4 (MANE Select); coding-DNA position 3108, G replaced by A.
Protein change: p.Gly1036=; no amino-acid change (glycine 1036 retained).
Molecular consequence: synonymous variant.
Genome position (GRCh38, 1-based): chr9:131,071,522, G>A. VCF-style: chr9-131071522-G-A. GRCh37 (hg19) VCF-style: chr9-133946909-G-A.
Other names: p.G1036G:GGG>GGA.
Identifiers: ClinVar variation 129458 (VCV000129458.16), dbSNP rs10901344, ClinGen allele CA153484.